The following is an entry in ClinVar:

ClinVar aggregate classification (germline): Likely benign (1 of 4 stars; one submission).

Conditions:
TBX3-related disorder. Also called: TBX3-related condition.

gnomAD v4.1: 4 of 1,569,272 alleles (0.00025%); highest among the groups gnomAD compares: Non-Finnish European, 0.00035%; no homozygotes.

Submission:

PreventionGenetics, part of Exact Sciences
Classification: Likely benign for TBX3-related condition. Last evaluated: 2024-11-15. Review status: criteria provided, single submitter. Criteria: ACMG Guidelines, 2015. Collection method: clinical testing. Allele origin: germline.
Comment: This variant is classified as likely benign based on ACMG/AMP sequence variant interpretation guidelines (Richards et al. 2015 PMID: 25741868, with internal and published modifications).

NM_005996.4(TBX3):c.1911C>T (p.Thr637=)

Gene: TBX3 (T-box transcription factor 3; minus strand). Cytogenetic location: 12q24.21.
Variant type: single nucleotide variant.
Coding change: c.1911C>T on transcript NM_005996.4 (MANE Select); coding-DNA position 1911, C replaced by T.
Protein change: p.Thr637=; no amino-acid change (threonine 637 retained).
Molecular consequence: synonymous variant.
Genome position (GRCh38, 1-based): chr12:114,672,102, G>A on the plus strand (C>T on the coding strand, the complement: TBX3 is on the minus strand). VCF-style: chr12-114672102-G-A. GRCh37 (hg19) VCF-style: chr12-115109907-G-A.
Other names: c.1971C>T, p.Thr657= (NM_016569.4).
Identifiers: ClinVar variation 4983541 (VCV004983541.1).